The following is an entry in ClinVar:

NM_178138.6(LHX3):c.252-4G>T

Gene: LHX3 (LIM homeobox 3; minus strand). Cytogenetic location: 9q34.3.
Variant type: single nucleotide variant.
Coding change: c.252-4G>T on transcript NM_178138.6 (MANE Select); 4 bases into the intron before coding-DNA position 252, G replaced by T.
Molecular consequence: intron variant.
Genome position (GRCh38, 1-based): chr9:136,199,884, C>A on the plus strand (G>T on the coding strand, the complement: LHX3 is on the minus strand). VCF-style: chr9-136199884-C-A. GRCh37 (hg19) VCF-style: chr9-139091730-C-A.
Other names: c.267-4G>T (NM_014564.5); c.219-4G>T (NM_001363746.1).
Identifiers: ClinVar variation 514235 (VCV000514235.19), dbSNP rs372058376, ClinGen allele CA5330539.

ClinVar aggregate classification (germline): Conflicting classifications of pathogenicity. Review status: criteria provided, conflicting classifications (1 of 4 stars). 6 submissions from 6 submitters: Uncertain significance (2); Benign (1); Likely benign (2). 1 of the submissions does not count toward it. Last evaluated 2026-01-28.

Conditions:
LHX3-related disorder. Also called: LHX3-related condition.
Non-acquired combined pituitary hormone deficiency with spine abnormalities (CPHD3). Also called: Winkelman Bethge Pfeiffer syndrome; WBP syndrome; Combined pituitary hormone deficiency type 3. Identifiers: Orphanet 231720, MedGen C3489787, MONDO:0009091, OMIM 221750.

Allele frequency attached by ClinVar (database versions not stated): gnomAD exomes 0.00041; ExAC 0.00066; 1000 Genomes Project 0.00080; 1000 Genomes Project 30x 0.00125; gnomAD 0.00155 and 0.00165; TOPMed 0.00200; ESP Exome Variant Server 0.00226.
gnomAD v4.1: 471 of 1,582,046 alleles (0.03%); highest among the groups gnomAD compares: African/African-American, 0.59%; 2 homozygotes.

Submissions (6):

Labcorp Genetics (formerly Invitae), Labcorp
Classification: Benign. Last evaluated: 2026-01-28. Review status: criteria provided, single submitter. Criteria: Invitae Variant Classification Sherloc (09022015). Collection method: clinical testing. Allele origin: germline.

Genomic Medicine Center of Excellence, King Faisal Specialist Hospital and Research Centre
Classification: Likely benign for Non-acquired combined pituitary hormone deficiency with spine abnormalities. Last evaluated: 2024-04-04. Review status: criteria provided, single submitter. Criteria: ACMG Guidelines, 2015. Collection method: clinical testing. Allele origin: germline.

Baylor Genetics
Classification: Uncertain significance for Non-acquired combined pituitary hormone deficiency with spine abnormalities. Last evaluated: 2019-03-15. Review status: criteria provided, single submitter. Criteria: ACMG Guidelines, 2015. Collection method: clinical testing. Allele origin: unknown. Affected: yes.
Comment: This variant was determined to be of uncertain significance according to ACMG Guidelines, 2015 [PMID:25741868].

Illumina Laboratory Services, Illumina
Classification: Uncertain significance for Non-acquired combined pituitary hormone deficiency with spine abnormalities. Last evaluated: 2018-01-13. Review status: criteria provided, single submitter. Criteria: ICSL Variant Classification Criteria 13 December 2019. Collection method: clinical testing. Allele origin: germline.

GeneDx
Classification: Likely benign. Last evaluated: 2018-01-12. Review status: criteria provided, single submitter. Criteria: GeneDx Variant Classification (06012015). Collection method: clinical testing. Allele origin: germline. Affected: yes.
Comment: This variant is considered likely benign or benign based on one or more of the following criteria: it is a conservative change, it occurs at a poorly conserved position in the protein, it is predicted to be benign by multiple in silico algorithms, and/or has population frequency not consistent with disease.

PreventionGenetics, part of Exact Sciences
Classification: Likely benign for LHX3-related condition. Last evaluated: 2020-02-04. Review status: no assertion criteria provided. Collection method: clinical testing. Allele origin: germline. Not counted in ClinVar's aggregate classification.
Comment: This variant is classified as likely benign based on ACMG/AMP sequence variant interpretation guidelines (Richards et al. 2015 PMID: 25741868, with internal and published modifications).